The following is an entry in ClinVar:

ClinVar aggregate classification (germline): Uncertain significance (0 of 4 stars; one submission).

Conditions:
HTR2C-related disorder. Also called: HTR2C-related condition.

gnomAD v4.1: 14 of 1,208,862 alleles (0.0012%); highest among the groups gnomAD compares: Admixed American, 0.02%; no homozygotes.

Submission:

PreventionGenetics, part of Exact Sciences
Classification: Uncertain significance for HTR2C-related condition. Last evaluated: 2024-08-04. Review status: no assertion criteria provided. Collection method: clinical testing. Allele origin: germline.
Comment: The HTR2C c.839C>T variant is predicted to result in the amino acid substitution p.Pro280Leu. To our knowledge, this variant has not been reported in the literature. This variant is reported in 0.018% of alleles in individuals of Latino descent in gnomAD. At this time, the clinical significance of this variant is uncertain due to the absence of conclusive functional and genetic evidence.

NM_000868.4(HTR2C):c.839C>T (p.Pro280Leu)

Genes: HTR2C (5-hydroxytryptamine receptor 2C; plus strand), LOC126863306 (MED14-independent group 3 enhancer GRCh37_chrX:114140926-114142125; plus strand). Cytogenetic location: Xq23.
Variant type: single nucleotide variant.
Coding change: c.839C>T on transcript NM_000868.4 (MANE Select); coding-DNA position 839, C replaced by T.
Protein change: p.Pro280Leu; replaces proline 280 with leucine.
Molecular consequence: missense variant. On other transcripts: synonymous variant (1).
Genome position (GRCh38, 1-based): chrX:114,906,877, C>T. VCF-style: chrX-114906877-C-T. GRCh37 (hg19) VCF-style: chrX-114141440-C-T.
Other names: c.839C>T, p.Pro280Leu (NM_001256760.3); c.744C>T, p.Pro248= (NM_001256761.3); short protein forms P280L.
Identifiers: ClinVar variation 3356627 (VCV003356627.1).